The following is an entry in ClinVar:

NM_006767.4(LZTR1):c.496A>T (p.Lys166Ter)

Gene: LZTR1 (leucine zipper like post translational regulator 1; plus strand). Cytogenetic location: 22q11.21.
Variant type: single nucleotide variant.
Coding change: c.496A>T on transcript NM_006767.4 (MANE Select); coding-DNA position 496, A replaced by T.
Protein change: p.Lys166Ter; replaces lysine 166 with a stop codon.
Molecular consequence: nonsense.
Genome position (GRCh38, 1-based): chr22:20,988,105, A>T. VCF-style: chr22-20988105-A-T. GRCh37 (hg19) VCF-style: chr22-21342394-A-T.
Other names: short protein forms K166*.
Identifiers: ClinVar variation 2447762 (VCV002447762.2), dbSNP rs2518613383, ClinGen allele CA410779921.

ClinVar aggregate classification (germline): Pathogenic (1 of 4 stars; one submission).

Conditions:
Cardiovascular phenotype. Identifiers: MedGen CN230736.
Hereditary cancer-predisposing syndrome. Also called: Neoplastic Syndromes, Hereditary; Hereditary Cancer Syndrome; Tumor predisposition; Hereditary neoplastic syndrome. Identifiers: Orphanet 140162, MedGen C0027672, MeSH D009386, MONDO:0015356.

Submission:

Ambry Genetics
Classification: Pathogenic for Cardiovascular phenotype; Hereditary cancer-predisposing syndrome. Last evaluated: 2023-03-09. Review status: criteria provided, single submitter. Criteria: Ambry Variant Classification Scheme 2023. Collection method: clinical testing. Allele origin: germline.
Comment: The p.K166* variant (also known as c.496A>T), located in coding exon 5 of the LZTR1 gene, results from an A to T substitution at nucleotide position 496. This changes the amino acid from a lysine to a stop codon within coding exon 5. This alteration is expected to result in loss of function by premature protein truncation or nonsense-mediated mRNA decay. Loss-of-function variants in LZTR1 are related to an increased risk for schwannomas and autosomal recessive Noonan syndrome; however, such associations with autosomal dominant Noonan syndrome have not been observed (Piotrowski A et al. Nat Genet. 2014 Feb;46:182-7; Yamamoto GL et al. J Med Genet. 2015 Jun;52:413-21; Johnston JJ et al. Genet Med. 2018 10;20:1175-1185). Based on the supporting evidence, this variant is pathogenic for an increased risk of LZTR1-related schwannomatosis (SWN) and would be expected to cause autosomal recessive Noonan syndrome when present along with a second pathogenic or likely pathogenic variant on the other allele; however, the association of this alteration with autosomal dominant Noonan syndrome is unlikely.